The following is an entry in ClinVar:

ClinVar aggregate classification (germline): Uncertain significance (1 of 4 stars; one submission).

Allele frequency attached by ClinVar (database versions not stated): gnomAD exomes 0.00002; gnomAD 0.00004.

Submission:

Labcorp Genetics (formerly Invitae), Labcorp
Classification: Uncertain significance. Last evaluated: 2022-03-08. Review status: criteria provided, single submitter. Criteria: Invitae Variant Classification Sherloc (09022015). Collection method: clinical testing. Allele origin: germline.
Comment: This sequence change falls in intron 64 of the VPS13C gene. It does not directly change the encoded amino acid sequence of the VPS13C protein. The frequency data for this variant in the population databases is considered unreliable, as metrics indicate poor data quality at this position in the gnomAD database. This variant has not been reported in the literature in individuals affected with VPS13C-related conditions. Algorithms developed to predict the effect of sequence changes on RNA splicing suggest that this variant may create or strengthen a splice site. In summary, the available evidence is currently insufficient to determine the role of this variant in disease. Therefore, it has been classified as a Variant of Uncertain Significance.

NM_020821.3(VPS13C):c.8811_8844+12dup

Gene: VPS13C (vacuolar protein sorting 13 homolog C; minus strand). Cytogenetic location: 15q22.2.
Variant type: Duplication.
Coding change: c.8811_8844+12dup on transcript NM_020821.3 (MANE Select); coding-DNA position 8811 through 12 bases into the intron after coding-DNA position 8844, 46 bases duplicated.
Molecular consequence: splice donor variant.
Genome position (GRCh38, 1-based): chr15:61,910,165-61,910,210, 46 bases duplicated. GRCh37 (hg19): chr15:62,202,364-62,202,409.
Other names: c.8682_8715+12dup (NM_017684.5, NM_018080.4); c.8811_8844+12dup (NM_001018088.3).
Identifiers: ClinVar variation 1943221 (VCV001943221.2), dbSNP rs1199566459, ClinGen allele CA618222959.
Genomic context (GRCh38, chr15:61,910,164, plus strand): 5'-TACCCTAGAACTTAAAGTATAATAAAAAATTAAATAAATAAAAATAAAAATAAAATAAAA[T>TATGAAAACTTACCAGATCTTCTAAGCTCAATAAAGTGCCATTATCC]ATGAAAACTTACCAGATCTTCTAAGCTCAATAAAGTGCCATTATCCTGTCGGTTATAAAA-3'